The following is an entry in ClinVar:

NM_002972.4(SBF1):c.3654C>T (p.Val1218=)

Gene: SBF1 (SET binding factor 1; minus strand). Cytogenetic location: 22q13.33.
Variant type: single nucleotide variant.
Coding change: c.3654C>T on transcript NM_002972.4 (MANE Select); coding-DNA position 3654, C replaced by T.
Protein change: p.Val1218=; no amino-acid change (valine 1218 retained).
Molecular consequence: synonymous variant.
Genome position (GRCh38, 1-based): chr22:50,459,504, G>A on the plus strand (C>T on the coding strand, the complement: SBF1 is on the minus strand). VCF-style: chr22-50459504-G-A. GRCh37 (hg19) VCF-style: chr22-50897933-G-A.
Other names: c.3657C>T, p.Val1219= (NM_001365819.1); c.3654C>T (NM_002972.3).
Identifiers: ClinVar variation 1190932 (VCV001190932.12), dbSNP rs202068159, ClinGen allele CA10316632.

ClinVar aggregate classification (germline): Benign/Likely benign. Review status: criteria provided, multiple submitters, no conflicts (2 of 4 stars). 3 submissions from 3 submitters: Benign (1); Likely benign (1). 1 of the submissions does not count toward it. Last evaluated 2025-10-01.

Conditions:
SBF1-related disorder. Also called: SBF1-related condition.

Allele frequency attached by ClinVar (database versions not stated): gnomAD 0.00067 and 0.00071; TOPMed 0.00069; 1000 Genomes Project 30x 0.00078; 1000 Genomes Project 0.00100; gnomAD exomes 0.00008 and 0.00015; ExAC 0.00021; ESP Exome Variant Server 0.00054.
gnomAD v4.1: 220 of 1,610,046 alleles (0.014%); highest among the groups gnomAD compares: African/African-American, 0.25%; 1 homozygote.

Submissions (3):

Labcorp Genetics (formerly Invitae), Labcorp
Classification: Benign. Last evaluated: 2025-10-01. Review status: criteria provided, single submitter. Criteria: Invitae Variant Classification Sherloc (09022015). Collection method: clinical testing. Allele origin: germline.

GeneDx
Classification: Likely benign. Last evaluated: 2021-05-04. Review status: criteria provided, single submitter. Criteria: GeneDx Variant Classification Process June 2021. Collection method: clinical testing. Allele origin: germline. Affected: yes.

PreventionGenetics, part of Exact Sciences
Classification: Likely benign for SBF1-related condition. Last evaluated: 2019-08-20. Review status: no assertion criteria provided. Collection method: clinical testing. Allele origin: germline. Not counted in ClinVar's aggregate classification.
Comment: This variant is classified as likely benign based on ACMG/AMP sequence variant interpretation guidelines (Richards et al. 2015 PMID: 25741868, with internal and published modifications).